The following is an entry in ClinVar:

NM_005422.4(TECTA):c.5743A>C (p.Met1915Leu)

Genes: TBCEL-TECTA (TBCEL-TECTA readthrough; plus strand), TECTA (tectorin alpha; plus strand). Cytogenetic location: 11q23.3.
Variant type: single nucleotide variant.
Coding change: c.5743A>C on transcript NM_005422.4 (MANE Select); coding-DNA position 5743, A replaced by C.
Protein change: p.Met1915Leu; replaces methionine 1915 with leucine.
Molecular consequence: missense variant.
Genome position (GRCh38, 1-based): chr11:121,168,210, A>C. VCF-style: chr11-121168210-A-C. GRCh37 (hg19) VCF-style: chr11-121038919-A-C.
Other names: c.6685A>C, p.Met2229Leu (NM_001378761.1); short protein forms M1915L, M2229L.
Identifiers: ClinVar variation 303038 (VCV000303038.12), dbSNP rs749089815, ClinGen allele CA6327800.

ClinVar aggregate classification (germline): Uncertain significance. Review status: criteria provided, multiple submitters, no conflicts (2 of 4 stars). 6 submissions from 5 submitters: Uncertain significance (6). Last evaluated 2026-03-31.

Conditions:
Inborn genetic diseases. Identifiers: MedGen C0950123, MeSH D030342.
TECTA-related disorder. Also called: TECTA-related condition.
Autosomal recessive nonsyndromic hearing loss 21. Identifiers: Orphanet 90636, MedGen C1863655, MONDO:0011351, OMIM 603629.
Autosomal dominant nonsyndromic hearing loss 12. Also called: DEAFNESS, AUTOSOMAL DOMINANT 8. Identifiers: Orphanet 90635, MedGen C1832187, MONDO:0011102, OMIM 601543.

Allele frequency attached by ClinVar (database versions not stated): gnomAD 0.00006; TOPMed 0.00014.

Submissions (6):

PreventionGenetics, part of Exact Sciences
Classification: Uncertain significance for TECTA-related condition. Last evaluated: 2026-03-31. Review status: criteria provided, single submitter. Criteria: ACMG Guidelines, 2015. Collection method: clinical testing. Allele origin: germline.
Comment: The TECTA c.5743A>C variant is predicted to result in the amino acid substitution p.Met1915Leu. To our knowledge, this variant has not been reported in the literature. This variant is reported in 0.0056% of alleles in individuals of Latino descent in gnomAD. At this time, the clinical significance of this variant is uncertain due to the absence of conclusive functional and genetic evidence.

Labcorp Genetics (formerly Invitae), Labcorp
Classification: Uncertain significance. Last evaluated: 2024-09-22. Review status: criteria provided, single submitter. Criteria: Invitae Variant Classification Sherloc (09022015). Collection method: clinical testing. Allele origin: germline.
Comment: This sequence change replaces methionine, which is neutral and non-polar, with leucine, which is neutral and non-polar, at codon 1915 of the TECTA protein (p.Met1915Leu). This variant is present in population databases (rs749089815, gnomAD 0.006%). This variant has not been reported in the literature in individuals affected with TECTA-related conditions. ClinVar contains an entry for this variant (Variation ID: 303038). Invitae Evidence Modeling of protein sequence and biophysical properties (such as structural, functional, and spatial information, amino acid conservation, physicochemical variation, residue mobility, and thermodynamic stability) indicates that this missense variant is not expected to disrupt TECTA protein function with a negative predictive value of 95%. In summary, the available evidence is currently insufficient to determine the role of this variant in disease. Therefore, it has been classified as a Variant of Uncertain Significance.

Blueprint Genetics
Classification: Uncertain significance. Last evaluated: 2024-08-01. Review status: criteria provided, single submitter. Criteria: ACMG Guidelines, 2015. Collection method: clinical testing. Allele origin: germline.

Ambry Genetics
Classification: Uncertain significance for Inborn genetic diseases. Last evaluated: 2023-10-30. Review status: criteria provided, single submitter. Criteria: Ambry Variant Classification Scheme 2023. Collection method: clinical testing. Allele origin: germline.

Illumina Laboratory Services, Illumina
Classification: Uncertain significance for Autosomal dominant nonsyndromic hearing loss 12. Last evaluated: 2018-01-13. Review status: criteria provided, single submitter. Criteria: ICSL Variant Classification Criteria 13 December 2019. Collection method: clinical testing. Allele origin: germline.

Illumina Laboratory Services, Illumina
Classification: Uncertain significance for Autosomal recessive nonsyndromic hearing loss 21. Last evaluated: 2018-01-13. Review status: criteria provided, single submitter. Criteria: ICSL Variant Classification Criteria 13 December 2019. Collection method: clinical testing. Allele origin: germline.